The following is an entry in ClinVar:

NM_201384.3(PLEC):c.9404A>G (p.Asp3135Gly)

Gene: PLEC (plectin; minus strand). Cytogenetic location: 8q24.3.
Variant type: single nucleotide variant.
Coding change: c.9404A>G on transcript NM_201384.3 (MANE Select); coding-DNA position 9404, A replaced by G.
Protein change: p.Asp3135Gly; replaces aspartic acid 3135 with glycine.
Molecular consequence: missense variant.
Genome position (GRCh38, 1-based): chr8:143,920,417, T>C on the plus strand (A>G on the coding strand, the complement: PLEC is on the minus strand). VCF-style: chr8-143920417-T-C. GRCh37 (hg19) VCF-style: chr8-144994585-T-C.
Other names: c.9485A>G (NM_000445.3); c.9485A>G, p.Asp3162Gly (NM_000445.5); c.6104A>G, p.Asp2035Gly (NM_001410941.1); c.9362A>G, p.Asp3121Gly (NM_201378.4); c.9338A>G, p.Asp3113Gly (NM_201379.3); c.9815A>G, p.Asp3272Gly (NM_201380.4); c.9308A>G, p.Asp3103Gly (NM_201381.3); c.9404A>G, p.Asp3135Gly (NM_201382.4); and 1 more; short protein forms D3103G, D3113G, D3272G, D2035G, D3139G, D3121G, D3162G, D3135G.
Identifiers: ClinVar variation 2144468 (VCV002144468.8), dbSNP rs782160395, ClinGen allele CA4924981.

ClinVar aggregate classification (germline): Uncertain significance. Review status: criteria provided, multiple submitters, no conflicts (2 of 4 stars). 3 submissions from 3 submitters: Uncertain significance (3). Last evaluated 2024-10-02.

Conditions:
Inborn genetic diseases. Identifiers: MedGen C0950123, MeSH D030342.
Epidermolysis bullosa simplex 5B, with muscular dystrophy (EBS5B). Also called: EPIDERMOLYSIS BULLOSA SIMPLEX AND LIMB-GIRDLE MUSCULAR DYSTROPHY; Epidermolysis bullosa simplex with muscular dystrophy. Identifiers: Orphanet 257, MedGen C2931072, MONDO:0009181, OMIM 226670.
Epidermolysis bullosa simplex, Ogna type (EBS5A). Also called: Pidermolysis bullosa simplex 5A, Ogna type; EPIDERMOLYSIS BULLOSA SIMPLEX 5A, OGNA TYPE. Identifiers: Orphanet 79401, MedGen C0432317, MONDO:0007555, OMIM 131950.
Epidermolysis bullosa simplex 5C, with pyloric atresia (EBS5C). Also called: PLEC-Related Epidermolysis Bullosa with Pyloric Atresia; Epidermolysis bullosa simplex with pyloric atresia; PLEC1-Related Epidermolysis Bullosa with Pyloric Atresia. Identifiers: Orphanet 158684, MedGen C2677349, MONDO:0012807, OMIM 612138.
Autosomal recessive limb-girdle muscular dystrophy type 2Q (LGMDR17). Also called: MUSCULAR DYSTROPHY, LIMB-GIRDLE, AUTOSOMAL RECESSIVE 17. Identifiers: Orphanet 254361, MedGen C3150989, MONDO:0013390, OMIM 613723.
Epidermolysis bullosa simplex with nail dystrophy (EBS5D). Identifiers: MedGen C4225309, MONDO:0014661, OMIM 616487.

Allele frequency attached by ClinVar (database versions not stated): gnomAD 0.00002; ExAC 0.00003; TOPMed 0.00003.
gnomAD v4.1: 15 of 1,594,642 alleles (0.00094%); highest among the groups gnomAD compares: African/African-American, 0.011%; no homozygotes.

Submissions (3):

Labcorp Genetics (formerly Invitae), Labcorp
Classification: Uncertain significance for Autosomal recessive limb-girdle muscular dystrophy type 2Q; Epidermolysis bullosa simplex, Ogna type; Epidermolysis bullosa simplex with nail dystrophy; Epidermolysis bullosa simplex 5C, with pyloric atresia; Epidermolysis bullosa simplex 5B, with muscular dystrophy. Last evaluated: 2024-10-02. Review status: criteria provided, single submitter. Criteria: Invitae Variant Classification Sherloc (09022015). Collection method: clinical testing. Allele origin: germline.
Comment: This sequence change replaces aspartic acid, which is acidic and polar, with glycine, which is neutral and non-polar, at codon 3162 of the PLEC protein (p.Asp3162Gly). This variant is present in population databases (rs782160395, gnomAD 0.01%). This variant has not been reported in the literature in individuals affected with PLEC-related conditions. ClinVar contains an entry for this variant (Variation ID: 2144468). An algorithm developed to predict the effect of missense changes on protein structure and function (PolyPhen-2) suggests that this variant is likely to be disruptive. In summary, the available evidence is currently insufficient to determine the role of this variant in disease. Therefore, it has been classified as a Variant of Uncertain Significance.

Ambry Genetics
Classification: Uncertain significance for Inborn genetic diseases. Last evaluated: 2024-09-04. Review status: criteria provided, single submitter. Criteria: Ambry Variant Classification Scheme 2023. Collection method: clinical testing. Allele origin: germline.

Revvity Omics, Revvity
Classification: Uncertain significance. Last evaluated: 2019-05-30. Review status: criteria provided, single submitter. Criteria: ACMG Guidelines, 2015. Collection method: clinical testing. Allele origin: germline.